The following is an entry in ClinVar:

ClinVar aggregate classification (germline): Uncertain significance. Review status: criteria provided, multiple submitters, no conflicts (2 of 4 stars). 3 submissions from 3 submitters: Uncertain significance (3). Last evaluated 2026-04-09.

Conditions:
Inborn genetic diseases. Identifiers: MedGen C0950123, MeSH D030342.

Allele frequency attached by ClinVar (database versions not stated): gnomAD exomes 0.00001; TOPMed 0.00002; gnomAD 0.00001.
gnomAD v4.1: 26 of 1,546,248 alleles (0.0017%); highest among the groups gnomAD compares: Middle Eastern, 0.065%; no homozygotes.

Submissions (3):

Ambry Genetics
Classification: Uncertain significance for Inborn genetic diseases. Last evaluated: 2026-04-09. Review status: criteria provided, single submitter. Criteria: Ambry Variant Classification Scheme 2023. Collection method: clinical testing. Allele origin: germline.

Labcorp Genetics (formerly Invitae), Labcorp
Classification: Uncertain significance. Last evaluated: 2025-03-19. Review status: criteria provided, single submitter. Criteria: Invitae Variant Classification Sherloc (09022015). Collection method: clinical testing. Allele origin: germline.
Comment: This sequence change replaces valine, which is neutral and non-polar, with phenylalanine, which is neutral and non-polar, at codon 478 of the ACAN protein (p.Val478Phe). This variant is not present in population databases (gnomAD no frequency). This variant has not been reported in the literature in individuals affected with ACAN-related conditions. ClinVar contains an entry for this variant (Variation ID: 1176637). Experimental studies and prediction algorithms are not available or were not evaluated, and the functional significance of this variant is currently unknown. In summary, the available evidence is currently insufficient to determine the role of this variant in disease. Therefore, it has been classified as a Variant of Uncertain Significance.

CeGaT Center for Human Genetics Tuebingen
Classification: Uncertain significance. Last evaluated: 2021-05-01. Review status: criteria provided, single submitter. Criteria: CeGaT Center For Human Genetics Tuebingen Variant Classification Criteria Version 2. Collection method: clinical testing. Allele origin: germline. Affected: yes. Observed: 1 variant allele.

NM_001369268.1(ACAN):c.1432G>T (p.Val478Phe)

Gene: ACAN (aggrecan; plus strand). Cytogenetic location: 15q26.1.
Variant type: single nucleotide variant.
Coding change: c.1432G>T on transcript NM_001369268.1 (MANE Select); coding-DNA position 1432, G replaced by T.
Protein change: p.Val478Phe; replaces valine 478 with phenylalanine.
Molecular consequence: missense variant.
Genome position (GRCh38, 1-based): chr15:88,847,245, G>T. VCF-style: chr15-88847245-G-T. GRCh37 (hg19) VCF-style: chr15-89390476-G-T.
Other names: c.1432G>T, p.Val478Phe (NM_001135.4, NM_013227.4); c.1432G>T (NM_013227.3); short protein forms V478F.
Identifiers: ClinVar variation 1176637 (VCV001176637.43), dbSNP rs748987964, ClinGen allele CA7719556.